The following is an entry in ClinVar:

NM_001830.4(CLCN4):c.844-1G>A

Gene: CLCN4 (Cl-/H+ antiporter 4; plus strand). Cytogenetic location: Xp22.2.
Variant type: single nucleotide variant.
Coding change: c.844-1G>A on transcript NM_001830.4 (MANE Select); the canonical splice acceptor site of the intron before coding-DNA position 844, G replaced by A.
Molecular consequence: splice acceptor variant.
Genome position (GRCh38, 1-based): chrX:10,208,044, G>A. VCF-style: chrX-10208044-G-A. GRCh37 (hg19) VCF-style: chrX-10176084-G-A.
Other names: c.562-1G>A (NM_001256944.2).
Identifiers: ClinVar variation 4535365 (VCV004535365.7).

ClinVar aggregate classification (germline): Pathogenic/Likely pathogenic. Review status: criteria provided, multiple submitters, no conflicts (2 of 4 stars). 2 submissions from 2 submitters: Pathogenic (1); Likely pathogenic (1). Last evaluated 2026-07-01.

Submissions (2):

CeGaT Center for Human Genetics Tuebingen
Classification: Likely pathogenic. Last evaluated: 2026-07-01. Review status: criteria provided, single submitter. Criteria: CeGaT Center For Human Genetics Tuebingen Variant Classification Criteria Version 2. Collection method: clinical testing. Allele origin: germline. Affected: yes. Observed: 2 variant alleles.
Comment: CLCN4: PVS1:Strong, PM2

GeneDx
Classification: Pathogenic. Last evaluated: 2026-03-05. Review status: criteria provided, single submitter. Criteria: GeneDx Variant Classification Process June 2021. Collection method: clinical testing. Allele origin: germline.
Comment: Canonical splice site variant predicted to result in an in-frame loss of the adjacent exon in a gene for which loss of function is a known mechanism of disease; Not observed at significant frequency in large population cohorts (gnomAD); Has not been previously published as pathogenic or benign to our knowledge